The following is an entry in ClinVar:

NM_032977.4(CASP10):c.133G>A (p.Gly45Arg)

Gene: CASP10 (caspase 10; plus strand). Cytogenetic location: 2q33.1.
Variant type: single nucleotide variant.
Coding change: c.133G>A on transcript NM_032977.4 (MANE Select); coding-DNA position 133, G replaced by A.
Protein change: p.Gly45Arg; replaces glycine 45 with arginine.
Molecular consequence: missense variant.
Genome position (GRCh38, 1-based): chr2:201,185,910, G>A. VCF-style: chr2-201185910-G-A. GRCh37 (hg19) VCF-style: chr2-202050633-G-A.
Other names: c.133G>A, p.Gly45Arg (NM_001206524.2, NM_001206542.2, NM_001230.5 and 3 more transcripts); short protein forms G45R.
Identifiers: ClinVar variation 3751858 (VCV003751858.3).

ClinVar aggregate classification (germline): Uncertain significance. Review status: criteria provided, multiple submitters, no conflicts (2 of 4 stars). 2 submissions from 2 submitters: Uncertain significance (2). Last evaluated 2025-09-22.

Conditions:
Autoimmune lymphoproliferative syndrome type 2A (ALPS2A). Also called: CASP10-Related Autoimmune Lymphoproliferative Syndrome; AUTOIMMUNE LYMPHOPROLIFERATIVE SYNDROME, TYPE IIA; Autoimmune lymphoproliferative syndrome type 2. Identifiers: Orphanet 3261, MedGen C1858968, MONDO:0011383, OMIM 603909.

gnomAD v4.1: 5 of 1,614,144 alleles (0.00031%); highest among the groups gnomAD compares: African/African-American, 0.0013%; no homozygotes.

Submissions (2):

Labcorp Genetics (formerly Invitae), Labcorp
Classification: Uncertain significance for Autoimmune lymphoproliferative syndrome type 2A. Last evaluated: 2025-09-22. Review status: criteria provided, single submitter. Criteria: Invitae Variant Classification Sherloc (09022015). Collection method: clinical testing. Allele origin: germline.
Comment: This sequence change replaces glycine, which is neutral and non-polar, with arginine, which is basic and polar, at codon 45 of the CASP10 protein (p.Gly45Arg). This variant is present in population databases (no rsID available, gnomAD 0.003%). This variant has not been reported in the literature in individuals affected with CASP10-related conditions. ClinVar contains an entry for this variant (Variation ID: 3751858). Invitae Evidence Modeling of protein sequence and biophysical properties (such as structural, functional, and spatial information, amino acid conservation, physicochemical variation, residue mobility, and thermodynamic stability) indicates that this missense variant is not expected to disrupt CASP10 protein function with a negative predictive value of 80%. In summary, the available evidence is currently insufficient to determine the role of this variant in disease. Therefore, it has been classified as a Variant of Uncertain Significance.

Ambry Genetics
Classification: Uncertain significance. Last evaluated: 2025-09-09. Review status: criteria provided, single submitter. Criteria: Ambry Variant Classification Scheme 2023. Collection method: clinical testing. Allele origin: germline.